The following is an entry in ClinVar:

ClinVar aggregate classification (germline): Uncertain significance. Review status: criteria provided, multiple submitters, no conflicts (2 of 4 stars). 2 submissions from 2 submitters: Uncertain significance (2). Last evaluated 2025-09-24.

Conditions:
Fumarase deficiency (FMRD). Also called: Fumaric aciduria; Fumarate Hydratase Deficiency. Identifiers: Orphanet 24, MedGen C0342770, MONDO:0011730, OMIM 606812.
Hereditary leiomyomatosis and renal cell cancer. Also called: MULTIPLE CUTANEOUS AND UTERINE LEIOMYOMATA 1, WITH OR WITHOUT RENAL CELL CARCINOMA; LEIOMYOMA, MULTIPLE CUTANEOUS; FH tumor predisposition syndrome; Multiple cutaneous leiomyomas; Reed syndrome; Multiple cutaneous and uterine leiomyomatosis. Identifiers: Orphanet 523, MedGen C1708350, MONDO:0007888, OMIM 150800, HP:0007437. Disease mechanism: loss of function.

gnomAD v4.1: 1 of 1,598,422 alleles (0.000063%); highest among the groups gnomAD compares: Non-Finnish European, 0.000086%; no homozygotes.

Submissions (2):

Labcorp Genetics (formerly Invitae), Labcorp
Classification: Uncertain significance. Last evaluated: 2025-09-24. Review status: criteria provided, single submitter. Criteria: Invitae Variant Classification Sherloc (09022015). Collection method: clinical testing. Allele origin: germline.
Comment: This sequence change falls in intron 3 of the FH gene. It does not directly change the encoded amino acid sequence of the FH protein. This variant is not present in population databases (gnomAD no frequency). This variant has not been reported in the literature in individuals affected with FH-related conditions. ClinVar contains an entry for this variant (Variation ID: 3582184). Studies have shown that this variant is associated with inconclusive levels of altered splicing (internal data). In summary, the available evidence is currently insufficient to determine the role of this variant in disease. Therefore, it has been classified as a Variant of Uncertain Significance.

Fulgent Genetics
Classification: Uncertain significance for Hereditary leiomyomatosis and renal cell cancer; Fumarase deficiency. Last evaluated: 2024-05-08. Review status: criteria provided, single submitter. Criteria: ACMG Guidelines, 2015. Collection method: clinical testing. Allele origin: germline.

NM_000143.4(FH):c.378+11A>G

Gene: FH (fumarate hydratase; minus strand). Cytogenetic location: 1q43.
Variant type: single nucleotide variant.
Coding change: c.378+11A>G on transcript NM_000143.4 (MANE Select); 11 bases into the intron after coding-DNA position 378, A replaced by G.
Molecular consequence: intron variant.
Genome position (GRCh38, 1-based): chr1:241,513,592, T>C on the plus strand (A>G on the coding strand, the complement: FH is on the minus strand). VCF-style: chr1-241513592-T-C. GRCh37 (hg19) VCF-style: chr1-241676892-T-C.
Identifiers: ClinVar variation 3582184 (VCV003582184.2).